The following is an entry in ClinVar:

ClinVar aggregate classification (germline): Uncertain significance (1 of 4 stars; one submission).

gnomAD v4.1: 6 of 1,614,082 alleles (0.00037%); highest among the groups gnomAD compares: Non-Finnish European, 0.00034%; no homozygotes.

Submission:

Labcorp Genetics (formerly Invitae), Labcorp
Classification: Uncertain significance. Last evaluated: 2025-04-22. Review status: criteria provided, single submitter. Criteria: Invitae Variant Classification Sherloc (09022015). Collection method: clinical testing. Allele origin: germline.
Comment: This sequence change replaces glycine, which is neutral and non-polar, with glutamic acid, which is acidic and polar, at codon 674 of the IGSF10 protein (p.Gly674Glu). This variant is not present in population databases (gnomAD no frequency). This variant has not been reported in the literature in individuals affected with IGSF10-related conditions. An algorithm developed to predict the effect of missense changes on protein structure and function (PolyPhen-2) suggests that this variant is likely to be tolerated. In summary, the available evidence is currently insufficient to determine the role of this variant in disease. Therefore, it has been classified as a Variant of Uncertain Significance.

NM_178822.5(IGSF10):c.2021G>A (p.Gly674Glu)

Gene: IGSF10 (immunoglobulin superfamily member 10; minus strand). Cytogenetic location: 3q25.1.
Variant type: single nucleotide variant.
Coding change: c.2021G>A on transcript NM_178822.5 (MANE Select); coding-DNA position 2021, G replaced by A.
Protein change: p.Gly674Glu; replaces glycine 674 with glutamic acid.
Molecular consequence: missense variant.
Genome position (GRCh38, 1-based): chr3:151,447,960, C>T on the plus strand (G>A on the coding strand, the complement: IGSF10 is on the minus strand). VCF-style: chr3-151447960-C-T. GRCh37 (hg19) VCF-style: chr3-151165748-C-T.
Other names: c.2021G>A, p.Gly674Glu (NM_001385060.1, NM_001385061.1, NM_001385062.1 and 1 more transcripts); short protein forms G674E.
Identifiers: ClinVar variation 4708374 (VCV004708374.1).